The following is an entry in ClinVar:

NM_015425.6(POLR1A):c.1588C>T (p.Pro530Ser)

Gene: POLR1A (RNA polymerase I subunit A; minus strand). Cytogenetic location: 2p11.2.
Variant type: single nucleotide variant.
Coding change: c.1588C>T on transcript NM_015425.6 (MANE Select); coding-DNA position 1588, C replaced by T.
Protein change: p.Pro530Ser; replaces proline 530 with serine.
Molecular consequence: missense variant.
Genome position (GRCh38, 1-based): chr2:86,075,053, G>A on the plus strand (C>T on the coding strand, the complement: POLR1A is on the minus strand). VCF-style: chr2-86075053-G-A. GRCh37 (hg19) VCF-style: chr2-86302176-G-A.
Other names: short protein forms P530S.
Identifiers: ClinVar variation 1518975 (VCV001518975.6), dbSNP rs764832125, ClinGen allele CA1746302.

ClinVar aggregate classification (germline): Uncertain significance (1 of 4 stars; one submission).

Allele frequency attached by ClinVar (database versions not stated): gnomAD exomes below 0.00001 and 0.00001; ExAC 0.00001.
gnomAD v4.1: 6 of 1,610,448 alleles (0.00037%); highest among the groups gnomAD compares: Middle Eastern, 0.044%; no homozygotes.

Submission:

Labcorp Genetics (formerly Invitae), Labcorp
Classification: Uncertain significance. Last evaluated: 2021-03-24. Review status: criteria provided, single submitter. Criteria: Invitae Variant Classification Sherloc (09022015). Collection method: clinical testing. Allele origin: germline.
Comment: In summary, the available evidence is currently insufficient to determine the role of this variant in disease. Therefore, it has been classified as a Variant of Uncertain Significance. Algorithms developed to predict the effect of missense changes on protein structure and function are either unavailable or do not agree on the potential impact of this missense change (SIFT: "Not Available"; PolyPhen-2: "Possibly Damaging"; Align-GVGD: "Not Available"). This variant has not been reported in the literature in individuals with POLR1A-related conditions. This variant is present in population databases (rs764832125, ExAC 0.002%). This sequence change replaces proline with serine at codon 530 of the POLR1A protein (p.Pro530Ser). The proline residue is weakly conserved and there is a moderate physicochemical difference between proline and serine.